The following is an entry in ClinVar:

NM_000179.3(MSH6):c.1890A>G (p.Ala630=)

Gene: MSH6 (mutS homolog 6; plus strand). Cytogenetic location: 2p16.3.
Variant type: single nucleotide variant.
Coding change: c.1890A>G on transcript NM_000179.3 (MANE Select); coding-DNA position 1890, A replaced by G.
Protein change: p.Ala630=; no amino-acid change (alanine 630 retained).
Molecular consequence: synonymous variant.
Genome position (GRCh38, 1-based): chr2:47,799,873, A>G. VCF-style: chr2-47799873-A-G. GRCh37 (hg19) VCF-style: chr2-48027012-A-G.
Other names: c.984A>G, p.Ala328= (NM_001281493.2, NM_001281494.2); c.1500A>G, p.Ala500= (NM_001281492.2).
Identifiers: ClinVar variation 760680 (VCV000760680.13), dbSNP rs1468271394, ClinGen allele CA426121287.

ClinVar aggregate classification (germline): Benign/Likely benign. Review status: criteria provided, multiple submitters, no conflicts (2 of 4 stars). 3 submissions from 3 submitters: Benign (1); Likely benign (2). Last evaluated 2024-12-30.

Conditions:
Lynch syndrome 5 (LYNCH5). Also called: Colorectal cancer, hereditary nonpolyposis, type 5; Hereditary non-polyposis colorectal cancer, type 5. Identifiers: Orphanet 144, MedGen C1833477, MONDO:0013710, OMIM 614350. Disease mechanism: loss of function.
Hereditary cancer-predisposing syndrome. Also called: Tumor predisposition; Neoplastic Syndromes, Hereditary; Hereditary Cancer Syndrome; Hereditary neoplastic syndrome. Identifiers: Orphanet 140162, MedGen C0027672, MeSH D009386, MONDO:0015356.
Hereditary nonpolyposis colorectal neoplasms. Identifiers: MedGen C0009405, MeSH D003123.

gnomAD v4.1: 1 of 1,614,218 alleles (0.000062%); highest among the groups gnomAD compares: Non-Finnish European, 0.000085%; no homozygotes.

Submissions (3):

Myriad Genetics, Inc.
Classification: Benign for Lynch syndrome 5. Last evaluated: 2024-12-30. Review status: criteria provided, single submitter. Criteria: Myriad Autosomal Dominant, Autosomal Recessive and X-Linked Classification Criteria (2023). Collection method: clinical testing. Allele origin: unknown.
Comment: This variant is considered benign. This variant is a silent/synonymous amino acid change and it is not expected to impact splicing.

Labcorp Genetics (formerly Invitae), Labcorp
Classification: Likely benign for Hereditary nonpolyposis colorectal neoplasms. Last evaluated: 2024-03-11. Review status: criteria provided, single submitter. Criteria: Invitae Variant Classification Sherloc (09022015). Collection method: clinical testing. Allele origin: germline.

Ambry Genetics
Classification: Likely benign for Hereditary cancer-predisposing syndrome. Last evaluated: 2023-11-19. Review status: criteria provided, single submitter. Criteria: Ambry Variant Classification Scheme 2023. Collection method: clinical testing. Allele origin: germline.